The following is an entry in ClinVar:

NM_000135.4(FANCA):c.67G>A (p.Ala23Thr)

Genes: FANCA (FA complementation group A; minus strand), LOC112486223 (Sharpr-MPRA regulatory region 3988; plus strand). Cytogenetic location: 16q24.3.
Variant type: single nucleotide variant.
Coding change: c.67G>A on transcript NM_000135.4 (MANE Select); coding-DNA position 67, G replaced by A.
Protein change: p.Ala23Thr; replaces alanine 23 with threonine.
Molecular consequence: missense variant.
Genome position (GRCh38, 1-based): chr16:89,816,549, C>T on the plus strand (G>A on the coding strand, the complement: FANCA is on the minus strand). VCF-style: chr16-89816549-C-T. GRCh37 (hg19) VCF-style: chr16-89882957-C-T.
Other names: c.67G>A, p.Ala23Thr (NM_001018112.3, NM_001286167.3, NM_001351830.2); short protein forms A23T.
Identifiers: ClinVar variation 4022080 (VCV004022080.1).

ClinVar aggregate classification (germline): Uncertain significance (1 of 4 stars; one submission).

Conditions:
Inborn genetic diseases. Identifiers: MedGen C0950123, MeSH D030342.

gnomAD v4.1: 7 of 1,508,328 alleles (0.00046%); highest among the groups gnomAD compares: Non-Finnish European, 0.00062%; no homozygotes.

Submission:

Ambry Genetics
Classification: Uncertain significance for Inborn genetic diseases. Last evaluated: 2025-03-15. Review status: criteria provided, single submitter. Criteria: Ambry Variant Classification Scheme 2023. Collection method: clinical testing. Allele origin: germline.
Comment: The p.A23T variant (also known as c.67G>A), located in coding exon 1 of the FANCA gene, results from a G to A substitution at nucleotide position 67. The alanine at codon 23 is replaced by threonine, an amino acid with similar properties. This amino acid position is conserved. In addition, this alteration is predicted to be tolerated by in silico analysis. Based on the available evidence, the clinical significance of this variant remains unclear.